The following is an entry in ClinVar:

ClinVar aggregate classification (germline): Likely benign. Review status: criteria provided, multiple submitters, no conflicts (2 of 4 stars). 2 submissions from 2 submitters: Likely benign (2). Last evaluated 2025-03-12.

Conditions:
Wolman disease (WOLD). Also called: Infantile-Onset LAL-D (Wolman Disease); Wolman disease, CESD; LYSOSOMAL ACID LIPASE DEFICIENCY, ACUTE INFANTILE; LYSOSOMAL ACID LIPASE DEFICIENCY, COMPLETE; LIPA DEFICIENCY, COMPLETE; LAL DEFICIENCY, COMPLETE. Identifiers: Orphanet 75233, MedGen C0043208, MONDO:0019148, OMIM 620151.
LIPA-related disorder. Also called: LIPA-related condition; LIPA-related disorders.

Submissions (2):

PreventionGenetics, part of Exact Sciences
Classification: Likely benign for LIPA-related condition. Last evaluated: 2025-03-12. Review status: criteria provided, single submitter. Criteria: ACMG Guidelines, 2015. Collection method: clinical testing. Allele origin: germline.
Comment: This variant is classified as likely benign based on ACMG/AMP sequence variant interpretation guidelines (Richards et al. 2015 PMID: 25741868, with internal and published modifications).

Labcorp Genetics (formerly Invitae), Labcorp
Classification: Likely benign for Wolman disease. Last evaluated: 2023-08-22. Review status: criteria provided, single submitter. Criteria: Invitae Variant Classification Sherloc (09022015). Collection method: clinical testing. Allele origin: germline.

NM_000235.4(LIPA):c.229+9del

Gene: LIPA (lipase A, lysosomal acid type; minus strand). Cytogenetic location: 10q23.31.
Variant type: Deletion.
Coding change: c.229+9del on transcript NM_000235.4 (MANE Select); 9 bases into the intron after coding-DNA position 229, one base deleted (A; older notation c.229+9delA).
Molecular consequence: intron variant.
Genome position (GRCh38, 1-based): chr10:89,245,667, T deleted on the plus strand (A on the coding strand, the reverse complement: LIPA is on the minus strand); the first of 2 consecutive T bases (chr10:89,245,667-89,245,668); deleting either gives the same sequence. VCF-style (leftmost placement, unchanged base first): chr10-89245666-CT-C. GRCh37 (hg19) VCF-style: chr10-91005423-CT-C.
Other names: c.229+9delA (NM_000235.3); c.-120+6070del (NM_001288979.2); c.229+9del (NM_001127605.3).
Identifiers: ClinVar variation 1139039 (VCV001139039.10), dbSNP rs1399049755, ClinGen allele CA2499220482.